The following is an entry in ClinVar:

NM_001291088.2(WDR87):c.6876_6911dup (p.Arg2308_Lys2309insGluGluGluGluGluArgGluGluGluGluGluArg)

Gene: WDR87 (WD repeat domain 87; minus strand). Cytogenetic location: 19q13.13.
Variant type: Duplication.
Coding change: c.6876_6911dup on transcript NM_001291088.2 (MANE Select); coding-DNA positions 6876 to 6911, 36 bases duplicated.
Protein change: p.Arg2308_Lys2309insGluGluGluGluGluArgGluGluGluGluGluArg.
Genome position (GRCh38, 1-based): chr19:37,886,760-37,886,795, 36 bases duplicated; duplicating any 36 consecutive bases within chr19:37,886,760-37,886,818 gives the same sequence; the c. name uses the placement nearest the transcript's 3' end. GRCh37 (hg19), VCF-style position (the base before the change): chr19:38,377,409.
Other names: c.6759_6794dup, p.Arg2269_Lys2270insGluGluGluGluGluArgGluGluGluGluGluArg (NM_031951.5).
Identifiers: ClinVar variation 3684879 (VCV003684879.2).

ClinVar aggregate classification (germline): Uncertain significance (1 of 4 stars; one submission).

Submission:

Labcorp Genetics (formerly Invitae), Labcorp
Classification: Uncertain significance. Last evaluated: 2024-03-11. Review status: criteria provided, single submitter. Criteria: Invitae Variant Classification Sherloc (09022015). Collection method: clinical testing. Allele origin: germline.
Comment: This variant, c.6794_6795insAGAAGAGGAAAGGGAGGAGGAGGAGGAAAGGGAGGA, results in the insertion of 12 amino acid(s) of the WDR87 protein (p.Glu2258_Arg2269dup), but otherwise preserves the integrity of the reading frame. This variant is not present in population databases (gnomAD no frequency). This variant has not been reported in the literature in individuals affected with WDR87-related conditions. Experimental studies and prediction algorithms are not available or were not evaluated, and the functional significance of this variant is currently unknown. In summary, the available evidence is currently insufficient to determine the role of this variant in disease. Therefore, it has been classified as a Variant of Uncertain Significance.